The following is an entry in ClinVar:

NM_004360.5(CDH1):c.100G>C (p.Ala34Pro)

Gene: CDH1 (cadherin 1; plus strand). Cytogenetic location: 16q22.1.
Variant type: single nucleotide variant.
Coding change: c.100G>C on transcript NM_004360.5 (MANE Select); coding-DNA position 100, G replaced by C.
Protein change: p.Ala34Pro; replaces alanine 34 with proline.
Molecular consequence: missense variant. On other transcripts: 5 prime UTR variant (2).
Genome position (GRCh38, 1-based): chr16:68,738,348, G>C. VCF-style: chr16-68738348-G-C. GRCh37 (hg19) VCF-style: chr16-68772251-G-C.
Other names: c.100G>C, p.Ala34Pro (NM_001317184.2); c.-1516G>C (NM_001317185.2); c.-1720G>C (NM_001317186.2); short protein forms A34P.
Identifiers: ClinVar variation 1492440 (VCV001492440.8), dbSNP rs1486768673, ClinGen allele CA396451965.

ClinVar aggregate classification (germline): Uncertain significance (1 of 4 stars; one submission).

Conditions:
Hereditary diffuse gastric adenocarcinoma (HDGC). Also called: DIFFUSE GASTRIC AND LOBULAR BREAST CANCER SYNDROME. Identifiers: Orphanet 26106, MedGen C1708349, MONDO:0007648, OMIM 137215.

Submission:

Labcorp Genetics (formerly Invitae), Labcorp
Classification: Uncertain significance for Hereditary diffuse gastric adenocarcinoma. Last evaluated: 2021-05-18. Review status: criteria provided, single submitter. Criteria: Invitae Variant Classification Sherloc (09022015). Collection method: clinical testing. Allele origin: germline.
Comment: In summary, the available evidence is currently insufficient to determine the role of this variant in disease. Therefore, it has been classified as a Variant of Uncertain Significance. Algorithms developed to predict the effect of missense changes on protein structure and function are either unavailable or do not agree on the potential impact of this missense change (SIFT: "Tolerated"; PolyPhen-2: "Possibly Damaging"; Align-GVGD: "Class C0"). This variant has not been reported in the literature in individuals with CDH1-related conditions. This variant is not present in population databases (ExAC no frequency). This sequence change replaces alanine with proline at codon 34 of the CDH1 protein (p.Ala34Pro). The alanine residue is weakly conserved and there is a small physicochemical difference between alanine and proline.